The following is an entry in ClinVar:

ClinVar aggregate classification (germline): Likely pathogenic (1 of 4 stars; one submission).

Conditions:
RPGRIP1L-related disorder. Also called: RPGRIP1L-related disorders; RPGRIP1L-related condition. Identifiers: MedGen CN239416.

gnomAD v4.1: 1 of 1,608,444 alleles (0.000062%); highest among the groups gnomAD compares: Non-Finnish European, 0.000085%; no homozygotes.

Submission:

PreventionGenetics, part of Exact Sciences
Classification: Likely pathogenic for RPGRIP1L-related condition. Last evaluated: 2025-09-03. Review status: criteria provided, single submitter. Criteria: ACMG Guidelines, 2015. Collection method: clinical testing. Allele origin: germline.
Comment: The RPGRIP1L c.1288C>T variant is predicted to result in premature protein termination (p.Gln430*). To our knowledge, this variant has not been reported in the literature or in a large population database (gnomAD), indicating this variant is rare. Nonsense variants in RPGRIP1L are expected to be pathogenic. This variant is interpreted as likely pathogenic.

NM_015272.5(RPGRIP1L):c.1288C>T (p.Gln430Ter)

Gene: RPGRIP1L (RPGRIP1 like; minus strand). Cytogenetic location: 16q12.2.
Variant type: single nucleotide variant.
Coding change: c.1288C>T on transcript NM_015272.5 (MANE Select); coding-DNA position 1288, C replaced by T.
Protein change: p.Gln430Ter; replaces glutamine 430 with a stop codon.
Molecular consequence: nonsense.
Genome position (GRCh38, 1-based): chr16:53,658,834, G>A on the plus strand (C>T on the coding strand, the complement: RPGRIP1L is on the minus strand). VCF-style: chr16-53658834-G-A. GRCh37 (hg19) VCF-style: chr16-53692746-G-A.
Other names: c.1288C>T, p.Gln430Ter (NM_001127897.4, NM_001308334.3, NM_001330538.2); short protein forms Q430*.
Identifiers: ClinVar variation 4985937 (VCV004985937.1).